The following is an entry in ClinVar:

NM_000310.4(PPT1):c.899A>C (p.His300Pro)

Gene: PPT1 (palmitoyl-protein thioesterase 1; minus strand). Cytogenetic location: 1p34.2.
Variant type: single nucleotide variant.
Coding change: c.899A>C on transcript NM_000310.4 (MANE Select); coding-DNA position 899, A replaced by C.
Protein change: p.His300Pro; replaces histidine 300 with proline.
Molecular consequence: missense variant.
Genome position (GRCh38, 1-based): chr1:40,074,083, T>G on the plus strand (A>C on the coding strand, the complement: PPT1 is on the minus strand). VCF-style: chr1-40074083-T-G. GRCh37 (hg19) VCF-style: chr1-40539755-T-G.
Other names: c.590A>C, p.His197Pro (NM_001142604.2); c.827A>C, p.His276Pro (NM_001363695.2); short protein forms H276P, H197P, H300P.
Identifiers: ClinVar variation 2006241 (VCV002006241.4), dbSNP rs2523620278, ClinGen allele CA339845360.

ClinVar aggregate classification (germline): Uncertain significance (1 of 4 stars; one submission).

Conditions:
Neuronal ceroid lipofuscinosis 1 (CLN1). Also called: CEROID LIPOFUSCINOSIS, NEURONAL, 1, VARIABLE AGE AT ONSET; PPT1-Related Neuronal Ceroid-Lipofuscinosis. Identifiers: Orphanet 228329, MedGen C1850451, MONDO:0009744, OMIM 256730.

Submission:

Labcorp Genetics (formerly Invitae), Labcorp
Classification: Uncertain significance for Neuronal ceroid lipofuscinosis 1. Last evaluated: 2022-06-14. Review status: criteria provided, single submitter. Criteria: Invitae Variant Classification Sherloc (09022015). Collection method: clinical testing. Allele origin: germline.
Comment: In summary, the available evidence is currently insufficient to determine the role of this variant in disease. Therefore, it has been classified as a Variant of Uncertain Significance. This sequence change replaces histidine, which is basic and polar, with proline, which is neutral and non-polar, at codon 300 of the PPT1 protein (p.His300Pro). This variant is not present in population databases (gnomAD no frequency). This variant has not been reported in the literature in individuals affected with PPT1-related conditions. Algorithms developed to predict the effect of missense changes on protein structure and function are either unavailable or do not agree on the potential impact of this missense change (SIFT: "Deleterious"; PolyPhen-2: "Benign"; Align-GVGD: "Class C0").